The following is an entry in ClinVar:

NM_001083961.2(WDR62):c.3087C>T (p.Cys1029=)

Gene: WDR62 (WD repeat domain 62; plus strand). Cytogenetic location: 19q13.12.
Variant type: single nucleotide variant.
Coding change: c.3087C>T on transcript NM_001083961.2 (MANE Select); coding-DNA position 3087, C replaced by T.
Protein change: p.Cys1029=; no amino-acid change (cysteine 1029 retained).
Molecular consequence: synonymous variant.
Genome position (GRCh38, 1-based): chr19:36,102,018, C>T. VCF-style: chr19-36102018-C-T. GRCh37 (hg19) VCF-style: chr19-36592920-C-T.
Other names: c.3087C>T, p.Cys1029= (NM_173636.5).
Identifiers: ClinVar variation 516393 (VCV000516393.22), dbSNP rs141344823, ClinGen allele CA9396157.

ClinVar aggregate classification (germline): Conflicting classifications of pathogenicity. Review status: criteria provided, conflicting classifications (1 of 4 stars). 5 submissions from 5 submitters: Uncertain significance (1); Likely benign (4). Last evaluated 2026-09-01.

Allele frequency attached by ClinVar (database versions not stated): gnomAD 0.00015; 1000 Genomes Project 0.00020; TOPMed 0.00024; ExAC 0.00028; 1000 Genomes Project 30x 0.00031; gnomAD exomes 0.00039 and 0.00011; ESP Exome Variant Server 0.00015.
gnomAD v4.1: 182 of 1,614,128 alleles (0.011%); highest among the groups gnomAD compares: Admixed American, 0.16%; no homozygotes.

Submissions (5):

CeGaT Center for Human Genetics Tuebingen
Classification: Likely benign. Last evaluated: 2026-09-01. Review status: criteria provided, single submitter. Criteria: CeGaT Center For Human Genetics Tuebingen Variant Classification Criteria Version 2. Collection method: clinical testing. Allele origin: germline. Affected: yes. Observed: 2 variant alleles.
Comment: WDR62: BP4, BP7

Labcorp Genetics (formerly Invitae), Labcorp
Classification: Likely benign. Last evaluated: 2025-12-09. Review status: criteria provided, single submitter. Criteria: Invitae Variant Classification Sherloc (09022015). Collection method: clinical testing. Allele origin: germline.

GeneDx
Classification: Likely benign. Last evaluated: 2020-05-11. Review status: criteria provided, single submitter. Criteria: GeneDx Variant Classification Process June 2021. Collection method: clinical testing. Allele origin: germline. Affected: yes.

Athena Diagnostics
Classification: Likely benign. Last evaluated: 2018-05-01. Review status: criteria provided, single submitter. Criteria: Athena Diagnostics Criteria. Collection method: clinical testing. Allele origin: germline.

Eurofins Ntd Llc (ga)
Classification: Uncertain significance. Last evaluated: 2018-01-12. Review status: criteria provided, single submitter. Criteria: EGL Classification Definitions 2015. Collection method: clinical testing. Allele origin: germline. Observed: 1 variant allele, 1 heterozygote.